The following is an entry in ClinVar:

ClinVar aggregate classification (germline): Uncertain significance (1 of 4 stars; one submission).

Conditions:
Acute myeloid leukemia (AML). Also called: Leukemia, acute myeloid, somatic; Leukemia, acute myelogenous, somatic; Acute myeloid leukemia, adult; AML adult; Acute non-lymphocytic leukemia; Acute granulocytic leukemia. Identifiers: Orphanet 519, MedGen C0023467, MeSH D015470, MONDO:0018874, OMIM 601626, HP:0004808. Disease mechanism: Constitutively activated FLT3.

Submission:

Labcorp Genetics (formerly Invitae), Labcorp
Classification: Uncertain significance for Acute myeloid leukemia. Last evaluated: 2023-06-27. Review status: criteria provided, single submitter. Criteria: Invitae Variant Classification Sherloc (09022015). Collection method: clinical testing. Allele origin: germline.
Comment: An algorithm developed to predict the effect of missense changes on protein structure and function (PolyPhen-2) suggests that this variant is likely to be tolerated. In summary, the available evidence is currently insufficient to determine the role of this variant in disease. Therefore, it has been classified as a Variant of Uncertain Significance. This sequence change replaces glycine, which is neutral and non-polar, with glutamic acid, which is acidic and polar, at codon 151 of the CEBPA protein (p.Gly151Glu). ClinVar contains an entry for this variant (Variation ID: 1426468). The frequency data for this variant in the population databases is considered unreliable, as metrics indicate insufficient coverage at this position in the gnomAD database. This variant has not been reported in the literature in individuals affected with CEBPA-related conditions.

NM_004364.5(CEBPA):c.452G>A (p.Gly151Glu)

Gene: CEBPA (CCAAT enhancer binding protein alpha; minus strand). Cytogenetic location: 19q13.11.
Variant type: single nucleotide variant.
Coding change: c.452G>A on transcript NM_004364.5 (MANE Select); coding-DNA position 452, G replaced by A.
Protein change: p.Gly151Glu; replaces glycine 151 with glutamic acid.
Molecular consequence: missense variant.
Genome position (GRCh38, 1-based): chr19:33,301,963, C>T on the plus strand (G>A on the coding strand, the complement: CEBPA is on the minus strand). VCF-style: chr19-33301963-C-T. GRCh37 (hg19) VCF-style: chr19-33792869-C-T.
Other names: c.95G>A, p.Gly32Glu (NM_001285829.2); c.557G>A, p.Gly186Glu (NM_001287424.2); c.410G>A, p.Gly137Glu (NM_001287435.2); short protein forms G186E, G32E, G137E, G151E.
Identifiers: ClinVar variation 1426468 (VCV001426468.8), dbSNP rs2145262013, ClinGen allele CA405274923.